The following is an entry in ClinVar:

ClinVar aggregate classification (germline): Uncertain significance (1 of 4 stars; one submission).

Conditions:
Charcot-Marie-Tooth disease axonal type 2O. Also called: CHARCOT-MARIE-TOOTH NEUROPATHY, AXONAL, TYPE 2O; CHARCOT-MARIE-TOOTH DISEASE, AXONAL, AUTOSOMAL DOMINANT, TYPE 2O; Charcot-Marie-Tooth Neuropathy Type 2O; Charcot-Marie-Tooth disease, axonal, type 20. Identifiers: Orphanet 284232, MedGen C3280220, MONDO:0013644, OMIM 614228.

Submission:

Labcorp Genetics (formerly Invitae), Labcorp
Classification: Uncertain significance for Charcot-Marie-Tooth disease axonal type 2O. Last evaluated: 2022-09-01. Review status: criteria provided, single submitter. Criteria: Invitae Variant Classification Sherloc (09022015). Collection method: clinical testing. Allele origin: germline.
Comment: Algorithms developed to predict the effect of missense changes on protein structure and function are either unavailable or do not agree on the potential impact of this missense change (SIFT: "Deleterious"; PolyPhen-2: "Probably Damaging"; Align-GVGD: "Class C15"). This variant has not been reported in the literature in individuals affected with DYNC1H1-related conditions. This variant is not present in population databases (gnomAD no frequency). This sequence change replaces asparagine, which is neutral and polar, with aspartic acid, which is acidic and polar, at codon 3576 of the DYNC1H1 protein (p.Asn3576Asp). In summary, the available evidence is currently insufficient to determine the role of this variant in disease. Therefore, it has been classified as a Variant of Uncertain Significance.

NM_001376.5(DYNC1H1):c.10726A>G (p.Asn3576Asp)

Gene: DYNC1H1 (dynein cytoplasmic 1 heavy chain 1; plus strand). Cytogenetic location: 14q32.31.
Variant type: single nucleotide variant.
Coding change: c.10726A>G on transcript NM_001376.5 (MANE Select); coding-DNA position 10726, A replaced by G.
Protein change: p.Asn3576Asp; replaces asparagine 3576 with aspartic acid.
Molecular consequence: missense variant.
Genome position (GRCh38, 1-based): chr14:102,034,424, A>G. VCF-style: chr14-102034424-A-G. GRCh37 (hg19) VCF-style: chr14-102500761-A-G.
Other names: short protein forms N3576D.
Identifiers: ClinVar variation 1718563 (VCV001718563.5), dbSNP rs2503827381, ClinGen allele CA391028459.
Genomic context (GRCh38, chr14:102,034,424, plus strand): 5'-GCTGATGAGCGTCTTCGCTGGCAGGCCAGCTCCTTGCCTGCTGATGACCTTTGCACAGAA[A>G]ATGCCATCATGCTGAAACGATTCAATAGGTATGAGCTCGGGTGCCAAGGAGAGGCATGGG-3'
Protein context (NP_001367.2, residues 3566-3586): SLPADDLCTE[Asn3576Asp]AIMLKRFNRY